The following is an entry in ClinVar:

NM_018368.4(LMBRD1):c.636+14G>T

Gene: LMBRD1 (LMBR1 domain containing 1; minus strand). Cytogenetic location: 6q13.
Variant type: single nucleotide variant.
Coding change: c.636+14G>T on transcript NM_018368.4 (MANE Select); 14 bases into the intron after coding-DNA position 636, G replaced by T.
Molecular consequence: intron variant.
Genome position (GRCh38, 1-based): chr6:69,737,928, C>A on the plus strand (G>T on the coding strand, the complement: LMBRD1 is on the minus strand). VCF-style: chr6-69737928-C-A. GRCh37 (hg19) VCF-style: chr6-70447820-C-A.
Other names: c.417+14G>T (NM_001367272.1, NM_001367271.1, NM_001363722.2).
Identifiers: ClinVar variation 912186 (VCV000912186.12), dbSNP rs376670737, ClinGen allele CA3879830.

ClinVar aggregate classification (germline): Benign/Likely benign. Review status: criteria provided, multiple submitters, no conflicts (2 of 4 stars). 3 submissions from 3 submitters: Benign (1); Likely benign (2). Last evaluated 2026-01-26.

Conditions:
Methylmalonic aciduria and homocystinuria type cblF. Also called: COBALAMIN F DISEASE; COBALAMIN, DEFECT IN LYSOSOMAL RELEASE OF; METHYLMALONIC ACIDEMIA AND HOMOCYSTINURIA, cblF TYPE; METHYLMALONIC ACIDURIA DUE TO VITAMIN B12-RELEASE DEFECT; VITAMIN B12 LYSOSOMAL RELEASE DEFECT; VITAMIN B12 STORAGE DISEASE. Identifiers: Orphanet 79284, MedGen C1848578, MONDO:0010183, OMIM 277380.

Allele frequency attached by ClinVar (database versions not stated): gnomAD 0.00007 and 0.00039; ESP Exome Variant Server 0.00008; TOPMed 0.00009; gnomAD exomes 0.00062 and 0.00112; ExAC 0.00167; 1000 Genomes Project 30x 0.00172; 1000 Genomes Project 0.00200.
gnomAD v4.1: 951 of 1,584,702 alleles (0.06%); highest among the groups gnomAD compares: South Asian, 0.9%; 16 homozygotes.

Submissions (3):

Labcorp Genetics (formerly Invitae), Labcorp
Classification: Benign for Methylmalonic aciduria and homocystinuria type cblF. Last evaluated: 2026-01-26. Review status: criteria provided, single submitter. Criteria: Invitae Variant Classification Sherloc (09022015). Collection method: clinical testing. Allele origin: germline.

Fulgent Genetics
Classification: Likely benign for Methylmalonic aciduria and homocystinuria type cblF. Last evaluated: 2022-05-17. Review status: criteria provided, single submitter. Criteria: ACMG Guidelines, 2015. Collection method: clinical testing. Allele origin: unknown.

Illumina Laboratory Services, Illumina
Classification: Likely benign for Methylmalonic aciduria and homocystinuria type cblF. Last evaluated: 2018-01-13. Review status: criteria provided, single submitter. Criteria: ICSL Variant Classification Criteria 13 December 2019. Collection method: clinical testing. Allele origin: germline.
Comment: This variant was observed in the ICSL laboratory as part of a predisposition screen in an ostensibly healthy population. It had not been previously curated by ICSL or reported in the Human Gene Mutation Database (HGMD: prior to June 1st, 2018), and was therefore a candidate for classification through an automated scoring system. Utilizing variant allele frequency, disease prevalence and penetrance estimates, and inheritance mode, an automated score was calculated to assess if this variant is too frequent to cause the disease. Based on the score and internal cut-off values, a variant classified as likely benign is not then subjected to further curation. The score for this variant resulted in a classification of likely benign for this disease.